The following is an entry in ClinVar:

ClinVar aggregate classification (germline): Uncertain significance. Review status: criteria provided, multiple submitters, no conflicts (2 of 4 stars). 2 submissions from 2 submitters: Uncertain significance (2). Last evaluated 2025-09-23.

Conditions:
Hereditary cancer-predisposing syndrome. Also called: Neoplastic Syndromes, Hereditary; Tumor predisposition; Hereditary Cancer Syndrome; Hereditary neoplastic syndrome. Identifiers: Orphanet 140162, MedGen C0027672, MeSH D009386, MONDO:0015356.
Familial cancer of breast. Also called: BREAST CANCER, FAMILIAL; Hereditary breast cancer; hereditary breast carcinoma. Identifiers: Orphanet 227535, MedGen C0346153, MONDO:0016419, OMIM 114480. Disease mechanism: loss of function.

gnomAD v4.1: 2 of 1,611,884 alleles (0.00012%); highest among the groups gnomAD compares: African/African-American, 0.0027%; no homozygotes.

Submissions (2):

Labcorp Genetics (formerly Invitae), Labcorp
Classification: Uncertain significance for Familial cancer of breast. Last evaluated: 2025-09-23. Review status: criteria provided, single submitter. Criteria: Invitae Variant Classification Sherloc (09022015). Collection method: clinical testing. Allele origin: germline.
Comment: This sequence change replaces proline, which is neutral and non-polar, with arginine, which is basic and polar, at codon 89 of the BARD1 protein (p.Pro89Arg). This variant is present in population databases (no rsID available, gnomAD 0.007%). This variant has not been reported in the literature in individuals affected with BARD1-related conditions. ClinVar contains an entry for this variant (Variation ID: 482790). An algorithm developed to predict the effect of missense changes on protein structure and function (PolyPhen-2) suggests that this variant is likely to be disruptive. In summary, the available evidence is currently insufficient to determine the role of this variant in disease. Therefore, it has been classified as a Variant of Uncertain Significance.

Ambry Genetics
Classification: Uncertain significance for Hereditary cancer-predisposing syndrome. Last evaluated: 2025-04-12. Review status: criteria provided, single submitter. Criteria: Ambry Variant Classification Scheme 2023. Collection method: clinical testing. Allele origin: germline.
Comment: The p.P89R variant (also known as c.266C>G), located in coding exon 3 of the BARD1 gene, results from a C to G substitution at nucleotide position 266. The proline at codon 89 is replaced by arginine, an amino acid with dissimilar properties. This amino acid position is highly conserved in available vertebrate species. In addition, this alteration is predicted to be deleterious by in silico analysis. Since supporting evidence is limited at this time, the clinical significance of this alteration remains unclear.

NM_000465.4(BARD1):c.266C>G (p.Pro89Arg)

Gene: BARD1 (BRCA1 associated RING domain 1; minus strand). Cytogenetic location: 2q35.
Variant type: single nucleotide variant.
Coding change: c.266C>G on transcript NM_000465.4 (MANE Select); coding-DNA position 266, C replaced by G.
Protein change: p.Pro89Arg; replaces proline 89 with arginine.
Molecular consequence: missense variant. On other transcripts: non-coding transcript variant (1), intron variant (2).
Genome position (GRCh38, 1-based): chr2:214,792,395, G>C on the plus strand (C>G on the coding strand, the complement: BARD1 is on the minus strand). VCF-style: chr2-214792395-G-C. GRCh37 (hg19) VCF-style: chr2-215657119-G-C.
Other names: c.209C>G, p.Pro70Arg (NM_001282543.2); c.266C>G, p.Pro89Arg (NM_001282549.2); c.158+17017C>G (NM_001282548.2); c.215+4666C>G (NM_001282545.2); short protein forms P89R, P70R.
Identifiers: ClinVar variation 482790 (VCV000482790.16), dbSNP rs780241203, ClinGen allele CA350461146.